The following is an entry in ClinVar:

NM_000057.4(BLM):c.3480del (p.Leu1159_Tyr1160insTer)

Gene: BLM (BLM RecQ like helicase; plus strand). Cytogenetic location: 15q26.1.
Variant type: Deletion.
Coding change: c.3480del on transcript NM_000057.4 (MANE Select); coding-DNA position 3480, one base deleted (T; older notation c.3480delT).
Protein change: p.Leu1159_Tyr1160insTer.
Molecular consequence: nonsense. On other transcripts: intron variant (1).
Genome position (GRCh38, 1-based): chr15:90,803,642, T deleted. VCF-style (leftmost placement, unchanged base first): chr15-90803641-AT-A. GRCh37 (hg19) VCF-style: chr15-91346871-AT-A.
Other names: c.3480del, p.Leu1159_Tyr1160insTer (NM_001287246.2); c.2355del, p.Leu784_Tyr785insTer (NM_001287248.2); c.3358+5305del (NM_001287247.2).
Identifiers: ClinVar variation 2566803 (VCV002566803.2), dbSNP rs2505547402, ClinGen allele CA2580613328.

ClinVar aggregate classification (germline): Pathogenic (1 of 4 stars; one submission).

Conditions:
Hereditary cancer-predisposing syndrome. Also called: Hereditary neoplastic syndrome; Hereditary Cancer Syndrome; Neoplastic Syndromes, Hereditary; Tumor predisposition. Identifiers: Orphanet 140162, MedGen C0027672, MeSH D009386, MONDO:0015356.

Submission:

Ambry Genetics
Classification: Pathogenic for Hereditary cancer-predisposing syndrome. Last evaluated: 2023-04-05. Review status: criteria provided, single submitter. Criteria: Ambry Variant Classification Scheme 2023. Collection method: clinical testing. Allele origin: germline.
Comment: The c.3480delT pathogenic mutation, located in coding exon 17 of the BLM gene, results from a deletion of one nucleotide at nucleotide position 3480, causing a translational frameshift with a predicted alternate stop codon (p.Y1160*). This alteration is expected to result in loss of function by premature protein truncation or nonsense-mediated mRNA decay. This variant is considered to be rare based on population cohorts in the Genome Aggregation Database (gnomAD). As such, this alteration is interpreted as a disease-causing mutation.